The following is an entry in ClinVar:

NM_182961.4(SYNE1):c.3913G>A (p.Gly1305Arg)

Gene: SYNE1 (spectrin repeat containing nuclear envelope protein 1; minus strand). Cytogenetic location: 6q25.2.
Variant type: single nucleotide variant.
Coding change: c.3913G>A on transcript NM_182961.4 (MANE Select); coding-DNA position 3913, G replaced by A.
Protein change: p.Gly1305Arg; replaces glycine 1305 with arginine.
Molecular consequence: missense variant.
Genome position (GRCh38, 1-based): chr6:152,442,170, C>T on the plus strand (G>A on the coding strand, the complement: SYNE1 is on the minus strand). VCF-style: chr6-152442170-C-T. GRCh37 (hg19) VCF-style: chr6-152763305-C-T.
Other names: c.3934G>A, p.Gly1312Arg (NM_033071.5); short protein forms G1305R, G1312R.
Identifiers: ClinVar variation 1430914 (VCV001430914.8), dbSNP rs1350747356, ClinGen allele CA366146840.

ClinVar aggregate classification (germline): Uncertain significance (1 of 4 stars; one submission).

Conditions:
Emery-Dreifuss muscular dystrophy 4, autosomal dominant (EDMD4). Also called: EMERY-DREIFUSS MUSCULAR DYSTROPHY 4 WITH VARIABLE FEATURES. Identifiers: Orphanet 261, MedGen C2751807, MONDO:0013071, OMIM 612998.
Autosomal recessive ataxia, Beauce type. Also called: Spinocerebellar ataxia, autosomal recessive 8; ATAXIA, RECESSIVE, OF BEAUCE; SYNE1 Deficiency; SYNE1-Related Autosomal Recessive Cerebellar Ataxia. Identifiers: Orphanet 88644, MedGen C1853116, MONDO:0012549, OMIM 610743.

Allele frequency attached by ClinVar (database versions not stated): gnomAD exomes below 0.00001.
gnomAD v4.1: 1 of 1,613,822 alleles (0.000062%); highest among the groups gnomAD compares: Admixed American, 0.0017%; no homozygotes.

Submission:

Labcorp Genetics (formerly Invitae), Labcorp
Classification: Uncertain significance for Emery-Dreifuss muscular dystrophy 4, autosomal dominant; Autosomal recessive ataxia, Beauce type. Last evaluated: 2024-07-15. Review status: criteria provided, single submitter. Criteria: Invitae Variant Classification Sherloc (09022015). Collection method: clinical testing. Allele origin: germline.
Comment: This sequence change replaces glycine, which is neutral and non-polar, with arginine, which is basic and polar, at codon 1312 of the SYNE1 protein (p.Gly1312Arg). This variant is present in population databases (no rsID available, gnomAD 0.003%). This variant has not been reported in the literature in individuals affected with SYNE1-related conditions. ClinVar contains an entry for this variant (Variation ID: 1430914). An algorithm developed to predict the effect of missense changes on protein structure and function outputs the following: PolyPhen-2: "Benign". The arginine amino acid residue is found in multiple mammalian species, which suggests that this missense change does not adversely affect protein function. In summary, the available evidence is currently insufficient to determine the role of this variant in disease. Therefore, it has been classified as a Variant of Uncertain Significance.